The following is an entry in ClinVar:

NM_006019.4(TCIRG1):c.1844T>A (p.Leu615His)

Gene: TCIRG1 (T cell immune regulator 1, ATPase H+ transporting V0 subunit a3; plus strand). Cytogenetic location: 11q13.2.
Variant type: single nucleotide variant.
Coding change: c.1844T>A on transcript NM_006019.4 (MANE Select); coding-DNA position 1844, T replaced by A.
Protein change: p.Leu615His; replaces leucine 615 with histidine.
Molecular consequence: missense variant.
Genome position (GRCh38, 1-based): chr11:68,049,251, T>A. VCF-style: chr11-68049251-T-A. GRCh37 (hg19) VCF-style: chr11-67816718-T-A.
Other names: c.950T>A, p.Leu317His (NM_001351059.2); c.1844T>A, p.Leu615His (NM_001440552.1, NM_001440553.1, NM_001440554.1 and 2 more transcripts); c.1802T>A, p.Leu601His (NM_001440555.1, NM_001440556.1, NM_001440563.1); c.1631T>A, p.Leu544His (NM_001440559.1, NM_001440560.1, NM_001440561.1 and 2 more transcripts); c.1589T>A, p.Leu530His (NM_001440564.1); c.1544T>A, p.Leu515His (NM_001440565.1); c.1382T>A, p.Leu461His (NM_001440567.1); c.1376T>A, p.Leu459His (NM_001440568.1); and 2 more; short protein forms L295H, L459H, L515H, L530H, L399H, L461H, L601H, L615H.
Identifiers: ClinVar variation 4742635 (VCV004742635.1).

ClinVar aggregate classification (germline): Uncertain significance (1 of 4 stars; one submission).

Submission:

Labcorp Genetics (formerly Invitae), Labcorp
Classification: Uncertain significance. Last evaluated: 2025-07-23. Review status: criteria provided, single submitter. Criteria: Invitae Variant Classification Sherloc (09022015). Collection method: clinical testing. Allele origin: germline.
Comment: This sequence change replaces leucine, which is neutral and non-polar, with histidine, which is basic and polar, at codon 615 of the TCIRG1 protein (p.Leu615His). This variant is not present in population databases (gnomAD no frequency). This variant has not been reported in the literature in individuals affected with TCIRG1-related conditions. Invitae Evidence Modeling of protein sequence and biophysical properties (such as structural, functional, and spatial information, amino acid conservation, physicochemical variation, residue mobility, and thermodynamic stability) indicates that this missense variant is expected to disrupt TCIRG1 protein function with a positive predictive value of 80%. In summary, the available evidence is currently insufficient to determine the role of this variant in disease. Therefore, it has been classified as a Variant of Uncertain Significance.